The following is an entry in ClinVar:

ClinVar aggregate classification (germline): Uncertain significance. Review status: criteria provided, single submitter (1 of 4 stars). 2 submissions from 2 submitters: Uncertain significance (1). 1 of the submissions does not count toward it. Last evaluated 2023-03-17.

gnomAD v4.1: 2 of 1,614,178 alleles (0.00012%); highest among the groups gnomAD compares: East Asian, 0.0022%; no homozygotes.

Submissions (2):

Labcorp Genetics (formerly Invitae), Labcorp
Classification: Uncertain significance. Last evaluated: 2023-03-17. Review status: criteria provided, single submitter. Criteria: Invitae Variant Classification Sherloc (09022015). Collection method: clinical testing. Allele origin: germline.
Comment: This variant is not present in population databases (gnomAD no frequency). This sequence change replaces phenylalanine, which is neutral and non-polar, with leucine, which is neutral and non-polar, at codon 3831 of the KMT2C protein (p.Phe3831Leu). This variant has not been reported in the literature in individuals affected with KMT2C-related conditions. In summary, the available evidence is currently insufficient to determine the role of this variant in disease. Therefore, it has been classified as a Variant of Uncertain Significance. Algorithms developed to predict the effect of missense changes on protein structure and function output the following: SIFT: "Not Available"; PolyPhen-2: "Benign"; Align-GVGD: "Not Available". The leucine amino acid residue is found in multiple mammalian species, which suggests that this missense change does not adversely affect protein function. ClinVar contains an entry for this variant (Variation ID: 134807).

ITMI
No classification provided. Condition: AllHighlyPenetrant. Last evaluated: 2013-09-19. Review status: no classification provided. Collection method: reference population. Allele origin: germline. Not counted in ClinVar's aggregate classification.
Comment: Please see associated publication for description of ethnicities

Literature cited by the submitters: PubMed 24728327 (cited by ITMI).

NM_170606.3(KMT2C):c.11493T>G (p.Phe3831Leu)

Gene: KMT2C (lysine methyltransferase 2C; minus strand). Cytogenetic location: 7q36.1.
Variant type: single nucleotide variant.
Coding change: c.11493T>G on transcript NM_170606.3 (MANE Select); coding-DNA position 11493, T replaced by G.
Protein change: p.Phe3831Leu; replaces phenylalanine 3831 with leucine.
Molecular consequence: missense variant.
Genome position (GRCh38, 1-based): chr7:152,159,040, A>C on the plus strand (T>G on the coding strand, the complement: KMT2C is on the minus strand). VCF-style: chr7-152159040-A-C. GRCh37 (hg19) VCF-style: chr7-151856125-A-C.
Other names: short protein forms F3831L.
Identifiers: ClinVar variation 134807 (VCV000134807.8), dbSNP rs587778507, ClinGen allele CA160783.